The following is an entry in ClinVar:

ClinVar aggregate classification (germline): Uncertain significance (1 of 4 stars; one submission).

Conditions:
Inborn genetic diseases. Identifiers: MedGen C0950123, MeSH D030342.

Submission:

Ambry Genetics
Classification: Uncertain significance for Inborn genetic diseases. Last evaluated: 2025-01-01. Review status: criteria provided, single submitter. Criteria: Ambry Variant Classification Scheme 2023. Collection method: clinical testing. Allele origin: germline.
Comment: The p.L38P variant (also known as c.113T>C), located in coding exon 1 of the G6PC3 gene, results from a T to C substitution at nucleotide position 113. The leucine at codon 38 is replaced by proline, an amino acid with similar properties. This amino acid position is conserved. In addition, the in silico prediction for this alteration is inconclusive. Based on the available evidence, the clinical significance of this variant remains unclear.

NM_138387.4(G6PC3):c.113T>C (p.Leu38Pro)

Genes: G6PC3 (glucose-6-phosphatase catalytic subunit 3; plus strand), LOC130060959 (ATAC-STARR-seq lymphoblastoid active region 12250; plus strand). Cytogenetic location: 17q21.31.
Variant type: single nucleotide variant.
Coding change: c.113T>C on transcript NM_138387.4 (MANE Select); coding-DNA position 113, T replaced by C.
Protein change: p.Leu38Pro; replaces leucine 38 with proline.
Molecular consequence: missense variant. On other transcripts: 5 prime UTR variant (3), intron variant (1).
Genome position (GRCh38, 1-based): chr17:44,071,078, T>C. VCF-style: chr17-44071078-T-C. GRCh37 (hg19) VCF-style: chr17-42148446-T-C.
Other names: c.113T>C, p.Leu38Pro (NM_001319945.2); c.-292T>C (NM_001384165.1); c.-427T>C (NM_001384166.1); c.-417T>C (NM_001384167.1); c.-312+364T>C (NM_001384168.1); short protein forms L38P.
Identifiers: ClinVar variation 3852336 (VCV003852336.1).